The following is an entry in ClinVar:

ClinVar aggregate classification (germline): Pathogenic (1 of 4 stars; one submission).

Conditions:
Microcephaly-thin corpus callosum-intellectual disability syndrome (NEDFCF). Also called: NEURODEVELOPMENTAL DISORDER WITH FEEDING DIFFICULTIES, THIN CORPUS CALLOSUM, AND FOOT DEFORMITY; Intellectual developmental disorder, autosomal recessive 40. Identifiers: Orphanet 397951, MedGen C3810080, MONDO:0014273, OMIM 615599.

Submission:

Women's Health and Genetics/Laboratory Corporation of America, LabCorp
Classification: Pathogenic for Microcephaly-thin corpus callosum-intellectual disability syndrome. Last evaluated: 2026-03-10. Review status: criteria provided, single submitter. Criteria: LabCorp Variant Classification Summary - May 2015. Collection method: clinical testing. Allele origin: germline.
Comment: Variant summary: The variant involves the deletion of exons 1-26 in the TAF2 gene. A presumed nomenclature of c.(?_-278)_(*1151_?)del has been designated for the purposes of this classification. This deletion includes the entire coding sequence of the gene. As the exact proximal and distal breakpoints are unknown, it may extend beyond the annotated region of the gene to include other flanking genes. Loss-of-function variants in this gene are known to be pathogenic. The variant was absent in 21684 control chromosomes. To our knowledge, no occurrence of c.(?_-278)_(*1151_?)del in individuals affected with TAF2-related conditions and no experimental evidence demonstrating its impact on protein function have been reported. No submitters have cited clinical-significance assessments for this variant to ClinVar. Based on the evidence outlined above, the variant was classified as pathogenic.

NC_000008.10:g.(?_120743013)_(120845082_?)del

Gene: TAF2 (TATA-box binding protein associated factor 2; minus strand). Cytogenetic location: 8q24.12.
Variant type: Deletion.
Identifiers: ClinVar variation 4847345 (VCV004847345.1).